The following is an entry in ClinVar:

ClinVar aggregate classification (germline): Uncertain significance (1 of 4 stars; one submission).

Allele frequency attached by ClinVar (database versions not stated): ExAC 0.00001.
gnomAD v4.1: 1 of 1,614,204 alleles (0.000062%); highest among the groups gnomAD compares: Non-Finnish European, 0.000085%; no homozygotes.

Submission:

CeGaT Center for Human Genetics Tuebingen
Classification: Uncertain significance. Last evaluated: 2024-02-01. Review status: criteria provided, single submitter. Criteria: CeGaT Center For Human Genetics Tuebingen Variant Classification Criteria Version 2. Collection method: clinical testing. Allele origin: germline. Affected: yes. Observed: 1 variant allele.
Comment: SYNE2: PM2, BP4, BP5

NM_182914.3(SYNE2):c.14719G>T (p.Ala4907Ser)

Gene: SYNE2 (spectrin repeat containing nuclear envelope protein 2; plus strand). Cytogenetic location: 14q23.2.
Variant type: single nucleotide variant.
Coding change: c.14719G>T on transcript NM_182914.3 (MANE Select); coding-DNA position 14719, G replaced by T.
Protein change: p.Ala4907Ser; replaces alanine 4907 with serine.
Molecular consequence: missense variant.
Genome position (GRCh38, 1-based): chr14:64,137,859, G>T. VCF-style: chr14-64137859-G-T. GRCh37 (hg19) VCF-style: chr14-64604577-G-T.
Other names: c.14719G>T, p.Ala4907Ser (NM_015180.6); short protein forms A4907S.
Identifiers: ClinVar variation 3026421 (VCV003026421.22), dbSNP rs766895263, ClinGen allele CA7222857.